The following is an entry in ClinVar:

ClinVar aggregate classification (germline): Uncertain significance. Review status: criteria provided, multiple submitters, no conflicts (2 of 4 stars). 2 submissions from 2 submitters: Uncertain significance (2). Last evaluated 2025-04-25.

Allele frequency attached by ClinVar (database versions not stated): gnomAD exomes 0.00001 and below 0.00001.

Submissions (2):

Dasa
Classification: Uncertain significance. Last evaluated: 2025-04-25. Review status: criteria provided, single submitter. Criteria: DASA Assertion Criteria. Collection method: clinical testing. Allele origin: germline.
Comment: NM_006922.4(SCN3A):c.5600T>C (p.Met1867Thr) is a missense variant that results in the substitution of methionine with threonine. This variant is rare in population databases. Computational prediction algorithms are consistent with a deleterious effect. The currently available literature and clinical evidence are not sufficient to establish a definitive association between this variant and the reported condition. Therefore, this variant is classified as a variant of uncertain significance.

Labcorp Genetics (formerly Invitae), Labcorp
Classification: Uncertain significance. Last evaluated: 2020-12-23. Review status: criteria provided, single submitter. Criteria: Invitae Variant Classification Sherloc (09022015). Collection method: clinical testing. Allele origin: germline.
Comment: In summary, the available evidence is currently insufficient to determine the role of this variant in disease. Therefore, it has been classified as a Variant of Uncertain Significance. Algorithms developed to predict the effect of missense changes on protein structure and function are either unavailable or do not agree on the potential impact of this missense change (SIFT: "Deleterious"; PolyPhen-2: "Probably Damaging"; Align-GVGD: "Class C0"). This variant has not been reported in the literature in individuals with SCN3A-related conditions. This variant is not present in population databases (ExAC no frequency). This sequence change replaces methionine with threonine at codon 1867 of the SCN3A protein (p.Met1867Thr). The methionine residue is moderately conserved and there is a moderate physicochemical difference between methionine and threonine.

NM_006922.4(SCN3A):c.5600T>C (p.Met1867Thr)

Gene: SCN3A (sodium voltage-gated channel alpha subunit 3; minus strand). Cytogenetic location: 2q24.3.
Variant type: single nucleotide variant.
Coding change: c.5600T>C on transcript NM_006922.4 (MANE Select); coding-DNA position 5600, T replaced by C.
Protein change: p.Met1867Thr; replaces methionine 1867 with threonine.
Molecular consequence: missense variant.
Genome position (GRCh38, 1-based): chr2:165,090,553, A>G on the plus strand (T>C on the coding strand, the complement: SCN3A is on the minus strand). VCF-style: chr2-165090553-A-G. GRCh37 (hg19) VCF-style: chr2-165947063-A-G.
Other names: c.5453T>C, p.Met1818Thr (NM_001081676.2, NM_001081677.2); short protein forms M1818T, M1867T.
Identifiers: ClinVar variation 1446549 (VCV001446549.10), dbSNP rs1268750861, ClinGen allele CA349011096.